The following is an entry in ClinVar:

NM_001486.4(GCKR):c.1143+3C>T

Gene: GCKR (glucokinase regulator; plus strand). Cytogenetic location: 2p23.3.
Variant type: single nucleotide variant.
Coding change: c.1143+3C>T on transcript NM_001486.4 (MANE Select); 3 bases into the intron after coding-DNA position 1143, C replaced by T.
Molecular consequence: intron variant.
Genome position (GRCh38, 1-based): chr2:27,507,314, C>T. VCF-style: chr2-27507314-C-T. GRCh37 (hg19) VCF-style: chr2-27730181-C-T.
Identifiers: ClinVar variation 4730988 (VCV004730988.1).

ClinVar aggregate classification (germline): Uncertain significance (1 of 4 stars; one submission).

Submission:

Labcorp Genetics (formerly Invitae), Labcorp
Classification: Uncertain significance. Last evaluated: 2025-10-19. Review status: criteria provided, single submitter. Criteria: Invitae Variant Classification Sherloc (09022015). Collection method: clinical testing. Allele origin: germline.
Comment: This sequence change falls in intron 13 of the GCKR gene. It does not directly change the encoded amino acid sequence of the GCKR protein. It affects a nucleotide within the consensus splice site. This variant is present in population databases (rs756923474, gnomAD 0.003%). This variant has not been reported in the literature in individuals affected with GCKR-related conditions. Variants that disrupt the consensus splice site are a relatively common cause of aberrant splicing (PMID: 17576681, 9536098). Algorithms developed to predict the effect of sequence changes on RNA splicing suggest that this variant is not likely to affect RNA splicing. In summary, the available evidence is currently insufficient to determine the role of this variant in disease. Therefore, it has been classified as a Variant of Uncertain Significance.

Literature cited by the submitters: PubMed 17576681; PubMed 9536098.